The following is an entry in ClinVar:

ClinVar aggregate classification (germline): Uncertain significance (1 of 4 stars; one submission).

Conditions:
Retinitis pigmentosa 12 (RP12). Also called: RP WITH OR WITHOUT PRESERVED PARAARTERIOLE RETINAL PIGMENT EPITHELIUM; RETINITIS PIGMENTOSA WITH OR WITHOUT PARAARTERIOLAR PRESERVATION OF RETINAL PIGMENT EPITHELIUM; RP WITH OR WITHOUT PPRPE. Identifiers: Orphanet 791, MedGen C1838647, MONDO:0010818, OMIM 600105.
Leber congenital amaurosis 8 (LCA8). Identifiers: Orphanet 65, MedGen C3151202, MONDO:0013453, OMIM 613835.

Allele frequency attached by ClinVar (database versions not stated): TOPMed below 0.00001.

Submission:

Labcorp Genetics (formerly Invitae), Labcorp
Classification: Uncertain significance for Leber congenital amaurosis 8; Retinitis pigmentosa 12. Last evaluated: 2023-04-24. Review status: criteria provided, single submitter. Criteria: Invitae Variant Classification Sherloc (09022015). Collection method: clinical testing. Allele origin: germline.
Comment: This variant is not present in population databases (gnomAD no frequency). This sequence change replaces proline, which is neutral and non-polar, with arginine, which is basic and polar, at codon 309 of the CRB1 protein (p.Pro309Arg). This missense change has been observed in individual(s) with CRB1-related condition (Invitae). In at least one individual the data is consistent with being in trans (on the opposite chromosome) from a pathogenic variant. ClinVar contains an entry for this variant (Variation ID: 2016363). Advanced modeling of protein sequence and biophysical properties (such as structural, functional, and spatial information, amino acid conservation, physicochemical variation, residue mobility, and thermodynamic stability) performed at Invitae indicates that this missense variant is expected to disrupt CRB1 protein function. In summary, the available evidence is currently insufficient to determine the role of this variant in disease. Therefore, it has been classified as a Variant of Uncertain Significance.

NM_201253.3(CRB1):c.926C>G (p.Pro309Arg)

Gene: CRB1 (crumbs cell polarity complex component 1; plus strand). Cytogenetic location: 1q31.3.
Variant type: single nucleotide variant.
Coding change: c.926C>G on transcript NM_201253.3 (MANE Select); coding-DNA position 926, C replaced by G.
Protein change: p.Pro309Arg; replaces proline 309 with arginine.
Molecular consequence: missense variant. On other transcripts: non-coding transcript variant (2), intron variant (1).
Genome position (GRCh38, 1-based): chr1:197,347,417, C>G. VCF-style: chr1-197347417-C-G. GRCh37 (hg19) VCF-style: chr1-197316547-C-G.
Other names: c.719C>G, p.Pro240Arg (NM_001257965.2); c.926C>G, p.Pro309Arg (NM_001257966.2); c.653-9414C>G (NM_001193640.2); short protein forms P309R, P240R.
Identifiers: ClinVar variation 2016363 (VCV002016363.4), dbSNP rs865828487, ClinGen allele CA344084137.
Genomic context (GRCh38, chr1:197,347,417, plus strand): 5'-CGGGTAGTGGATTCACAGGGACACACTGTGAGACCTTGATGCCTCTTTGTTGGTCAAAAC[C>G]TTGTCACAATAATGCTACATGTGAGGACAGTGTTGACAATTACACTTGTCACTGCTGGCC-3'
Protein context (NP_957705.1, residues 299-319): ETLMPLCWSK[Pro309Arg]CHNNATCEDS